The following is an entry in ClinVar:

ClinVar aggregate classification (germline): Conflicting classifications of pathogenicity. Review status: criteria provided, conflicting classifications (1 of 4 stars). 5 submissions from 3 submitters: Uncertain significance (3); Benign (2). Last evaluated 2025-09-10.

Conditions:
Inflammatory bowel disease 1 (IBD1). Also called: INFLAMMATORY BOWEL DISEASE (CROHN DISEASE) 1; Inflammatory bowel disease 1, Crohn disease. Identifiers: MedGen CN260071, MONDO:0009960, OMIM 266600.
Dilated cardiomyopathy 1G (CMD1G). Identifiers: Orphanet 154, MedGen C1858763, MONDO:0011400, OMIM 604145.
Blau syndrome (BLAUS). Also called: GRANULOMATOSIS, FAMILIAL JUVENILE SYSTEMIC; GRANULOMATOSIS, FAMILIAL, BLAU TYPE; GRANULOMATOUS INFLAMMATORY ARTHRITIS, DERMATITIS, AND UVEITIS, FAMILIAL; JABS SYNDROME; ARTHROCUTANEOUVEAL GRANULOMATOSIS. Identifiers: Orphanet 90340, MedGen C5201146, MONDO:0008523, OMIM 186580.

Allele frequency attached by ClinVar (database versions not stated): 1000 Genomes Project 0.00120; 1000 Genomes Project 30x 0.00141; gnomAD 0.00255 and 0.00257; TOPMed 0.00310.

Submissions (5):

Genomic Medicine Center of Excellence, King Faisal Specialist Hospital and Research Centre
Classification: Uncertain significance for Inflammatory bowel disease 1. Last evaluated: 2025-09-10. Review status: criteria provided, single submitter. Criteria: ACMG Guidelines, 2015. Collection method: clinical testing. Allele origin: germline.

Genomic Medicine Center of Excellence, King Faisal Specialist Hospital and Research Centre
Classification: Uncertain significance for Dilated cardiomyopathy 1G. Last evaluated: 2024-12-17. Review status: criteria provided, single submitter. Criteria: ACMG Guidelines, 2015. Collection method: clinical testing. Allele origin: germline.

CeGaT Center for Human Genetics Tuebingen
Classification: Benign. Last evaluated: 2023-02-01. Review status: criteria provided, single submitter. Criteria: CeGaT Center For Human Genetics Tuebingen Variant Classification Criteria Version 2. Collection method: clinical testing. Allele origin: germline. Affected: yes. Observed: 4 variant alleles.
Comment: NOD2: BS1, BS2

Illumina Laboratory Services, Illumina
Classification: Uncertain significance for Inflammatory bowel disease 1. Last evaluated: 2018-01-13. Review status: criteria provided, single submitter. Criteria: ICSL Variant Classification Criteria 13 December 2019. Collection method: clinical testing. Allele origin: germline.

Illumina Laboratory Services, Illumina
Classification: Benign for Blau syndrome. Last evaluated: 2018-01-13. Review status: criteria provided, single submitter. Criteria: ICSL Variant Classification Criteria 13 December 2019. Collection method: clinical testing. Allele origin: germline.
Comment: This variant was observed in the ICSL laboratory as part of a predisposition screen in an ostensibly healthy population. It had not been previously curated by ICSL or reported in the Human Gene Mutation Database (HGMD: prior to June 1st, 2018), and was therefore a candidate for classification through an automated scoring system. Utilizing variant allele frequency, disease prevalence and penetrance estimates, and inheritance mode, an automated score was calculated to assess if this variant is too frequent to cause the disease. Based on the score and internal cut-off values, a variant classified as benign is not then subjected to further curation. The score for this variant resulted in a classification of benign for this disease.

NM_001370466.1(NOD2):c.*873C>T

Genes: CYLD-AS1 (CYLD antisense RNA 1; minus strand), NOD2 (nucleotide binding oligomerization domain containing 2; plus strand). Cytogenetic location: 16q12.1.
Variant type: single nucleotide variant.
Coding change: c.*873C>T on transcript NM_001370466.1 (MANE Select); 873 bases downstream of the stop codon, C replaced by T.
Molecular consequence: 3 prime UTR variant. On other transcripts: non-coding transcript variant (1).
Genome position (GRCh38, 1-based): chr16:50,732,692, C>T. VCF-style: chr16-50732692-C-T. GRCh37 (hg19) VCF-style: chr16-50766603-C-T.
Other names: c.*873C>T (LRG_177t1, NM_001293557.2, NM_022162.3).
Identifiers: ClinVar variation 319488 (VCV000319488.34), dbSNP rs373812846, ClinGen allele CA10648478.
Genomic context (GRCh38, chr16:50,732,692, plus strand): 5'-ACTTTAAAAAGCTCCAAATGCAGCTTTAAAAAATTAATCTGGGCCAGAATTTCAAACGGC[C>T]TCACTAGGCTTCTGGTTGATGCCTGTGAACTGAACTCTGACAACAGACTTCTGAAATAGA-3'